The following is an entry in ClinVar:

ClinVar aggregate classification (germline): Uncertain significance. Review status: criteria provided, multiple submitters, no conflicts (2 of 4 stars). 2 submissions from 2 submitters: Uncertain significance (2). Last evaluated 2025-05-09.

Conditions:
Hereditary pancreatitis (PCTT). Also called: PRSS1-Related Hereditary Pancreatitis; Hereditary chronic pancreatitis. Identifiers: Orphanet 676, MedGen C0238339, MONDO:0008185, OMIM 167800.

Allele frequency attached by ClinVar (database versions not stated): gnomAD 0.00005; TOPMed 0.00005; ESP Exome Variant Server 0.00015.

Submissions (2):

Labcorp Genetics (formerly Invitae), Labcorp
Classification: Uncertain significance. Last evaluated: 2025-05-09. Review status: criteria provided, single submitter. Criteria: Invitae Variant Classification Sherloc (09022015). Collection method: clinical testing. Allele origin: germline.
Comment: This sequence change replaces aspartic acid, which is acidic and polar, with asparagine, which is neutral and polar, at codon 32 of the CPA1 protein (p.Asp32Asn). The frequency data for this variant in the population databases is considered unreliable, as metrics indicate poor data quality at this position in the gnomAD database. This variant has not been reported in the literature in individuals affected with CPA1-related conditions. ClinVar contains an entry for this variant (Variation ID: 1767172). An algorithm developed to predict the effect of missense changes on protein structure and function outputs the following: PolyPhen-2: "Benign". The asparagine amino acid residue is found in multiple mammalian species, which suggests that this missense change does not adversely affect protein function. In summary, the available evidence is currently insufficient to determine the role of this variant in disease. Therefore, it has been classified as a Variant of Uncertain Significance.

Ambry Genetics
Classification: Uncertain significance for Hereditary pancreatitis. Last evaluated: 2025-04-05. Review status: criteria provided, single submitter. Criteria: Ambry Variant Classification Scheme 2023. Collection method: clinical testing. Allele origin: germline.
Comment: The p.D32N variant (also known as c.94G>A), located in coding exon 2 of the CPA1 gene, results from a G to A substitution at nucleotide position 94. The aspartic acid at codon 32 is replaced by asparagine, an amino acid with highly similar properties. This amino acid position is not well conserved in available vertebrate species, and asparagine is the reference amino acid in other vertebrate species. In addition, this alteration is predicted to be tolerated by in silico analysis. Since supporting evidence is limited at this time, the clinical significance of this alteration remains unclear.

NM_001868.4(CPA1):c.94G>A (p.Asp32Asn)

Gene: CPA1 (carboxypeptidase A1; plus strand). Cytogenetic location: 7q32.2.
Variant type: single nucleotide variant.
Coding change: c.94G>A on transcript NM_001868.4 (MANE Select); coding-DNA position 94, G replaced by A.
Protein change: p.Asp32Asn; replaces aspartic acid 32 with asparagine.
Molecular consequence: missense variant.
Genome position (GRCh38, 1-based): chr7:130,381,126, G>A. VCF-style: chr7-130381126-G-A. GRCh37 (hg19) VCF-style: chr7-130020967-G-A.
Other names: short protein forms D32N.
Identifiers: ClinVar variation 1767172 (VCV001767172.7), dbSNP rs375620015, ClinGen allele CA4484677.